The following is an entry in ClinVar:

NM_000051.4(ATM):c.3021_3026del (p.Asp1007_Ser1008del)

Gene: ATM (ATM serine/threonine kinase; plus strand). Cytogenetic location: 11q22.3.
Variant type: Deletion.
Coding change: c.3021_3026del on transcript NM_000051.4 (MANE Select); coding-DNA positions 3021 to 3026, 6 bases deleted (CTCTGA; older notation c.3021_3026delCTCTGA).
Protein change: p.Asp1007_Ser1008del.
Molecular consequence: inframe deletion.
Genome position (GRCh38, 1-based): chr11:108,271,350-108,271,355, CTCTGA deleted; deleting any 6 consecutive bases within chr11:108,271,348-108,271,355 gives the same sequence; the c. name uses the placement nearest the transcript's 3' end. VCF-style (leftmost placement, unchanged base first): chr11-108271347-GGACTCT-G. GRCh37 (hg19) VCF-style: chr11-108142074-GGACTCT-G.
Other names: c.3021_3026del, p.Asp1007_Ser1008del (NM_001351834.2).
Identifiers: ClinVar variation 822625 (VCV000822625.4), dbSNP rs1591604413, ClinGen allele CA915948371.
Genomic context (GRCh38, chr11:108,271,347, plus strand): 5'-TTGTAAAACTATTTTAAACCATGTCCTTCATGTAGTGAAAAACCTAGGTCAAAGCAATAT[GGACTCT>G]GAGAACACAAGGGATGCTCAAGGACAGTTTCTTACAGTAATTGGAGCATTTTGGTAGGTA-3'

ClinVar aggregate classification (germline): Uncertain significance (1 of 4 stars; one submission).

Conditions:
Hereditary cancer-predisposing syndrome. Also called: Tumor predisposition; Hereditary Cancer Syndrome; Neoplastic Syndromes, Hereditary; Hereditary neoplastic syndrome. Identifiers: Orphanet 140162, MedGen C0027672, MeSH D009386, MONDO:0015356.

Submission:

Ambry Genetics
Classification: Uncertain significance for Hereditary cancer-predisposing syndrome. Last evaluated: 2018-10-12. Review status: criteria provided, single submitter. Criteria: Ambry Variant Classification Scheme 2023. Collection method: clinical testing. Allele origin: germline.
Comment: The c.3021_3026delCTCTGA variant (also known as p.D1007_S1008del) is located in coding exon 19 of the ATM gene. This variant results from an in-frame CTCTGA deletion at nucleotide positions 3021 to 3026. This results in the in-frame deletion of aspartic acid and serine residues at codons 1007 to 1008. Since supporting evidence is limited at this time, the clinical significance of this alteration remains unclear.